The following is an entry in ClinVar:

ClinVar aggregate classification (germline): Uncertain significance (1 of 4 stars; one submission).

Conditions:
Inborn genetic diseases. Identifiers: MedGen C0950123, MeSH D030342.

gnomAD v4.1: 7 of 1,611,098 alleles (0.00043%); highest among the groups gnomAD compares: Non-Finnish European, 0.00059%; no homozygotes.

Submission:

Ambry Genetics
Classification: Uncertain significance for Inborn genetic diseases. Last evaluated: 2026-05-27. Review status: criteria provided, single submitter. Criteria: Ambry Variant Classification Scheme 2023. Collection method: clinical testing. Allele origin: germline.
Comment: The p.T161S variant (also known as c.482C>G), located in coding exon 5 of the ETV6 gene, results from a C to G substitution at nucleotide position 482. The threonine at codon 161 is replaced by serine, an amino acid with similar properties. This amino acid position is conserved. In addition, this alteration is predicted to be tolerated by in silico analysis. Based on the available evidence, the clinical significance of this variant remains unclear.

NM_001987.5(ETV6):c.482C>G (p.Thr161Ser)

Gene: ETV6 (ETS variant transcription factor 6; plus strand). Cytogenetic location: 12p13.2.
Variant type: single nucleotide variant.
Coding change: c.482C>G on transcript NM_001987.5 (MANE Select); coding-DNA position 482, C replaced by G.
Protein change: p.Thr161Ser; replaces threonine 161 with serine.
Molecular consequence: missense variant.
Genome position (GRCh38, 1-based): chr12:11,869,442, C>G. VCF-style: chr12-11869442-C-G. GRCh37 (hg19) VCF-style: chr12-12022376-C-G.
Other names: c.482C>G, p.Thr161Ser (NM_001413917.1, NM_001413916.1); c.479C>G, p.Thr160Ser (NM_001413913.1); c.455C>G, p.Thr152Ser (NM_001413914.1); c.218C>G, p.Thr73Ser (NM_001413915.1); short protein forms T152S, T160S, T161S, T73S.
Identifiers: ClinVar variation 4870680 (VCV004870680.1).